The following is an entry in ClinVar:

ClinVar aggregate classification (germline): Uncertain significance. Review status: criteria provided, multiple submitters, no conflicts (2 of 4 stars). 3 submissions from 3 submitters: Uncertain significance (3). Last evaluated 2025-11-01.

Allele frequency attached by ClinVar (database versions not stated): gnomAD exomes 0.00003; ExAC 0.00004; gnomAD 0.00005; TOPMed 0.00005.
gnomAD v4.1: 47 of 1,614,066 alleles (0.0029%); highest among the groups gnomAD compares: Middle Eastern, 0.033%; no homozygotes.

Submissions (3):

CeGaT Center for Human Genetics Tuebingen
Classification: Uncertain significance. Last evaluated: 2025-11-01. Review status: criteria provided, single submitter. Criteria: CeGaT Center For Human Genetics Tuebingen Variant Classification Criteria Version 2. Collection method: clinical testing. Allele origin: germline. Affected: yes. Observed: 1 variant allele.
Comment: SLC24A1: PM2:Supporting, BP4

Labcorp Genetics (formerly Invitae), Labcorp
Classification: Uncertain significance. Last evaluated: 2022-07-12. Review status: criteria provided, single submitter. Criteria: Invitae Variant Classification Sherloc (09022015). Collection method: clinical testing. Allele origin: germline.
Comment: This sequence change replaces valine, which is neutral and non-polar, with isoleucine, which is neutral and non-polar, at codon 459 of the SLC24A1 protein (p.Val459Ile). This variant is present in population databases (rs769995522, gnomAD 0.008%). This missense change has been observed in individual(s) with retinitis pigmentosa (PMID: 12037007). ClinVar contains an entry for this variant (Variation ID: 933723). Algorithms developed to predict the effect of missense changes on protein structure and function output the following: SIFT: "Tolerated"; PolyPhen-2: "Benign"; Align-GVGD: "Class C0". The isoleucine amino acid residue is found in multiple mammalian species, which suggests that this missense change does not adversely affect protein function. In summary, the available evidence is currently insufficient to determine the role of this variant in disease. Therefore, it has been classified as a Variant of Uncertain Significance.

Breakthrough Genomics
Classification: Uncertain significance. Review status: criteria provided, single submitter. Criteria: ACMG Guidelines, 2015. Collection method: not provided. Allele origin: germline. Inheritance: Autosomal recessive inheritance. Affected: yes.

Literature cited by the submitters: PubMed 12037007 (cited by Labcorp Genetics (formerly Invitae), Labcorp).

NM_004727.3(SLC24A1):c.1375G>A (p.Val459Ile)

Gene: SLC24A1 (solute carrier family 24 member 1; plus strand). Cytogenetic location: 15q22.31.
Variant type: single nucleotide variant.
Coding change: c.1375G>A on transcript NM_004727.3 (MANE Select); coding-DNA position 1375, G replaced by A.
Protein change: p.Val459Ile; replaces valine 459 with isoleucine.
Molecular consequence: missense variant.
Genome position (GRCh38, 1-based): chr15:65,625,455, G>A. VCF-style: chr15-65625455-G-A. GRCh37 (hg19) VCF-style: chr15-65917793-G-A.
Other names: c.1375G>A, p.Val459Ile (NM_001301031.1, NM_001301032.1, NM_001301033.2); short protein forms V459I.
Identifiers: ClinVar variation 933723 (VCV000933723.11), dbSNP rs769995522, ClinGen allele CA7619892.